The following is an entry in ClinVar:

NM_144631.6(ZNF513):c.1418G>A (p.Arg473His)

Genes: ZNF513 (zinc finger protein 513; minus strand), LOC129933376 (ATAC-STARR-seq lymphoblastoid active region 15506; plus strand). Cytogenetic location: 2p23.3.
Variant type: single nucleotide variant.
Coding change: c.1418G>A on transcript NM_144631.6 (MANE Select); coding-DNA position 1418, G replaced by A.
Protein change: p.Arg473His; replaces arginine 473 with histidine.
Molecular consequence: missense variant.
Genome position (GRCh38, 1-based): chr2:27,377,753, C>T on the plus strand (G>A on the coding strand, the complement: ZNF513 is on the minus strand). VCF-style: chr2-27377753-C-T. GRCh37 (hg19) VCF-style: chr2-27600620-C-T.
Other names: c.1232G>A, p.Arg411His (NM_001201459.2); c.1418G>A (NM_144631.5); short protein forms R411H, R473H.
Identifiers: ClinVar variation 1062621 (VCV001062621.11), dbSNP rs376305062, ClinGen allele CA1577810.
Genomic context (GRCh38, chr2:27,377,753, plus strand): 5'-ACCTTCTGGTGGCGCTTGTAGTTGTCCCAGTGGCCCGTGGTATAGGCGCAGGTGGCACAG[C>T]GGAAGGGCTTCTCGCCTGTGTGCCGCAGCATGTGACGTTTGAGGTTCATGCTCTGGTTGC-3'
Protein context (NP_653232.3, residues 463-483): MLRHTGEKPF[Arg473His]CATCAYTTGH

ClinVar aggregate classification (germline): Uncertain significance. Review status: criteria provided, multiple submitters, no conflicts (2 of 4 stars). 3 submissions from 3 submitters: Uncertain significance (3). Last evaluated 2025-11-26.

Allele frequency attached by ClinVar (database versions not stated): TOPMed 0.00007; ESP Exome Variant Server 0.00008; ExAC 0.00014; 1000 Genomes Project 30x 0.00016; 1000 Genomes Project 0.00020.

Submissions (3):

Ambry Genetics
Classification: Uncertain significance. Last evaluated: 2025-11-26. Review status: criteria provided, single submitter. Criteria: Ambry Variant Classification Scheme 2023. Collection method: clinical testing. Allele origin: germline.

Labcorp Genetics (formerly Invitae), Labcorp
Classification: Uncertain significance. Last evaluated: 2025-05-12. Review status: criteria provided, single submitter. Criteria: Invitae Variant Classification Sherloc (09022015). Collection method: clinical testing. Allele origin: germline.
Comment: This sequence change replaces arginine, which is basic and polar, with histidine, which is basic and polar, at codon 473 of the ZNF513 protein (p.Arg473His). This variant is present in population databases (rs376305062, gnomAD 0.1%), and has an allele count higher than expected for a pathogenic variant. This variant has not been reported in the literature in individuals affected with ZNF513-related conditions. ClinVar contains an entry for this variant (Variation ID: 1062621). An algorithm developed to predict the effect of missense changes on protein structure and function outputs the following: PolyPhen-2: "Possibly Damaging". The histidine amino acid residue is found in multiple mammalian species, which suggests that this missense change does not adversely affect protein function. In summary, the available evidence is currently insufficient to determine the role of this variant in disease. Therefore, it has been classified as a Variant of Uncertain Significance.

Blueprint Genetics
Classification: Uncertain significance. Last evaluated: 2022-06-29. Review status: criteria provided, single submitter. Criteria: ACMG Guidelines, 2015. Collection method: clinical testing. Allele origin: germline.